The following is an entry in ClinVar:

NM_001252024.2(TRPM1):c.2046T>A (p.Asp682Glu)

Gene: TRPM1 (transient receptor potential cation channel subfamily M member 1; minus strand). Cytogenetic location: 15q13.3.
Variant type: single nucleotide variant.
Coding change: c.2046T>A on transcript NM_001252024.2 (MANE Select); coding-DNA position 2046, T replaced by A.
Protein change: p.Asp682Glu; replaces aspartic acid 682 with glutamic acid.
Molecular consequence: missense variant.
Genome position (GRCh38, 1-based): chr15:31,041,992, A>T on the plus strand (T>A on the coding strand, the complement: TRPM1 is on the minus strand). VCF-style: chr15-31041992-A-T. GRCh37 (hg19) VCF-style: chr15-31334195-A-T.
Other names: c.2097T>A, p.Asp699Glu (NM_001252020.2); c.1980T>A, p.Asp660Glu (NM_002420.6); short protein forms D699E, D660E, D682E.
Identifiers: ClinVar variation 2086080 (VCV002086080.4), dbSNP rs2504116772, ClinGen allele CA391511208.

ClinVar aggregate classification (germline): Uncertain significance (1 of 4 stars; one submission).

Allele frequency attached by ClinVar (database versions not stated): gnomAD exomes below 0.00001.
gnomAD v4.1: 1 of 1,614,114 alleles (0.000062%); highest among the groups gnomAD compares: Non-Finnish European, 0.000085%; no homozygotes.

Submission:

Labcorp Genetics (formerly Invitae), Labcorp
Classification: Uncertain significance. Last evaluated: 2022-01-16. Review status: criteria provided, single submitter. Criteria: Invitae Variant Classification Sherloc (09022015). Collection method: clinical testing. Allele origin: germline.
Comment: This sequence change replaces aspartic acid, which is acidic and polar, with glutamic acid, which is acidic and polar, at codon 660 of the TRPM1 protein (p.Asp660Glu). This variant is not present in population databases (gnomAD no frequency). This variant has not been reported in the literature in individuals affected with TRPM1-related conditions. Algorithms developed to predict the effect of missense changes on protein structure and function output the following: SIFT: "Tolerated"; PolyPhen-2: "Benign"; Align-GVGD: "Class C0". The glutamic acid amino acid residue is found in multiple mammalian species, which suggests that this missense change does not adversely affect protein function. In summary, the available evidence is currently insufficient to determine the role of this variant in disease. Therefore, it has been classified as a Variant of Uncertain Significance.